The following is an entry in ClinVar:

NM_006506.5(RASA2):c.292A>G (p.Thr98Ala)

Gene: RASA2 (RAS p21 protein activator 2; plus strand). Cytogenetic location: 3q23.
Variant type: single nucleotide variant.
Coding change: c.292A>G on transcript NM_006506.5 (MANE Select); coding-DNA position 292, A replaced by G.
Protein change: p.Thr98Ala; replaces threonine 98 with alanine.
Molecular consequence: missense variant.
Genome position (GRCh38, 1-based): chr3:141,516,368, A>G. VCF-style: chr3-141516368-A-G. GRCh37 (hg19) VCF-style: chr3-141235210-A-G.
Other names: c.292A>G, p.Thr98Ala (NM_001303245.3, NM_001303246.3); short protein forms T98A.
Identifiers: ClinVar variation 1797780 (VCV001797780.2), dbSNP rs2151084234, ClinGen allele CA354780890.

ClinVar aggregate classification (germline): Uncertain significance (1 of 4 stars; one submission).

Submission:

Ambry Genetics
Classification: Uncertain significance. Last evaluated: 2022-10-07. Review status: criteria provided, single submitter. Criteria: Ambry Variant Classification Scheme 2023. Collection method: clinical testing. Allele origin: germline.
Comment: The p.T98A variant (also known as c.292A>G), located in coding exon 3 of the RASA2 gene, results from an A to G substitution at nucleotide position 292. The threonine at codon 98 is replaced by alanine, an amino acid with similar properties. This amino acid position is conserved. In addition, this alteration is predicted to be tolerated by in silico analysis. Since supporting evidence is limited at this time, the clinical significance of this alteration remains unclear.